The following is an entry in ClinVar:

ClinVar aggregate classification (germline): Uncertain significance (1 of 4 stars; one submission).

Submission:

GeneDx
Classification: Uncertain significance. Last evaluated: 2021-04-12. Review status: criteria provided, single submitter. Criteria: GeneDx Variant Classification Process June 2021. Collection method: clinical testing. Allele origin: germline. Affected: yes.
Comment: Not observed in large population cohorts (Lek et al., 2016); In silico analysis, which includes protein predictors and evolutionary conservation, supports that this variant does not alter protein structure/function; Has not been previously published as pathogenic or benign to our knowledge

NM_001242896.3(DEPDC5):c.3059C>T (p.Pro1020Leu)

Gene: DEPDC5 (DEP domain containing 5, GATOR1 subcomplex subunit; plus strand). Cytogenetic location: 22q12.3.
Variant type: single nucleotide variant.
Coding change: c.3059C>T on transcript NM_001242896.3 (MANE Select); coding-DNA position 3059, C replaced by T.
Protein change: p.Pro1020Leu; replaces proline 1020 with leucine.
Molecular consequence: missense variant. On other transcripts: non-coding transcript variant (5).
Genome position (GRCh38, 1-based): chr22:31,846,871, C>T. VCF-style: chr22-31846871-C-T. GRCh37 (hg19) VCF-style: chr22-32242857-C-T.
Other names: c.3032C>T, p.Pro1011Leu (NM_001136029.4, NM_001369903.1, NM_014662.6); c.2825C>T, p.Pro942Leu (NM_001242897.2, NM_001363854.2, NM_001364319.2); c.3059C>T, p.Pro1020Leu (NM_001363852.2, NM_001364318.2, NM_001364320.2); c.2975C>T, p.Pro992Leu (NM_001369901.1, NM_001369902.1); short protein forms P1011L, P1020L, P942L, P992L.
Identifiers: ClinVar variation 1310164 (VCV001310164.2), dbSNP rs2149037797, ClinGen allele CA411292063.